The following is an entry in ClinVar:

NM_002272.4(KRT4):c.359C>A (p.Thr120Asn)

Gene: KRT4 (keratin 4; minus strand). Cytogenetic location: 12q13.13.
Variant type: single nucleotide variant.
Coding change: c.359C>A on transcript NM_002272.4 (MANE Select); coding-DNA position 359, C replaced by A.
Protein change: p.Thr120Asn; replaces threonine 120 with asparagine.
Molecular consequence: missense variant.
Genome position (GRCh38, 1-based): chr12:52,813,700, G>T on the plus strand (C>A on the coding strand, the complement: KRT4 is on the minus strand). VCF-style: chr12-52813700-G-T. GRCh37 (hg19) VCF-style: chr12-53207484-G-T.
Other names: short protein forms T120N.
Identifiers: ClinVar variation 881235 (VCV000881235.6), dbSNP rs201805600, ClinGen allele CA6588767.

ClinVar aggregate classification (germline): Conflicting classifications of pathogenicity. Review status: criteria provided, conflicting classifications (1 of 4 stars). 2 submissions from 2 submitters: Uncertain significance (1); Likely benign (1). Last evaluated 2021-06-11.

Conditions:
White sponge nevus 1. Also called: LEUKOKERATOSIS, HEREDITARY MUCOSAL. Identifiers: MedGen C4011926, MONDO:0008676, OMIM 193900.
Inborn genetic diseases. Identifiers: MedGen C0950123, MeSH D030342.

Allele frequency attached by ClinVar (database versions not stated): gnomAD exomes 0.00010; ESP Exome Variant Server 0.00015; gnomAD 0.00005 and 0.00006; TOPMed 0.00007; ExAC 0.00008.
gnomAD v4.1: 74 of 1,614,110 alleles (0.0046%); highest among the groups gnomAD compares: Admixed American, 0.005%; no homozygotes.

Submissions (2):

Ambry Genetics
Classification: Uncertain significance for Inborn genetic diseases. Last evaluated: 2021-06-11. Review status: criteria provided, single submitter. Criteria: Ambry Variant Classification Scheme 2023. Collection method: clinical testing. Allele origin: germline.

Illumina Laboratory Services, Illumina
Classification: Likely benign for White sponge nevus 1. Last evaluated: 2018-01-13. Review status: criteria provided, single submitter. Criteria: ICSL Variant Classification Criteria 13 December 2019. Collection method: clinical testing. Allele origin: germline.
Comment: This variant was observed in the ICSL laboratory as part of a predisposition screen in an ostensibly healthy population. It had not been previously curated by ICSL or reported in the Human Gene Mutation Database (HGMD: prior to June 1st, 2018), and was therefore a candidate for classification through an automated scoring system. Utilizing variant allele frequency, disease prevalence and penetrance estimates, and inheritance mode, an automated score was calculated to assess if this variant is too frequent to cause the disease. Based on the score and internal cut-off values, a variant classified as likely benign is not then subjected to further curation. The score for this variant resulted in a classification of likely benign for this disease.